The following is an entry in ClinVar:

ClinVar aggregate classification (germline): Conflicting classifications of pathogenicity. Review status: criteria provided, conflicting classifications (1 of 4 stars). 6 submissions from 6 submitters: Uncertain significance (1); Likely benign (5). Last evaluated 2026-01-12.

Conditions:
KCNT1-related disorder. Also called: KCNT1-related condition.
Developmental and epileptic encephalopathy, 14 (DEE14). Also called: Early infantile epileptic encephalopathy 14. Identifiers: Orphanet 293181, MedGen C3554195, MONDO:0013989, OMIM 614959.
Autosomal dominant nocturnal frontal lobe epilepsy 5. Also called: CILIARY DYSKINESIA, PRIMARY, 28, WITH SITUS INVERSUS; Epilepsy, nocturnal frontal lobe, 5; CILIARY DYSKINESIA, PRIMARY, 28, WITHOUT SITUS INVERSUS; KCNT1-Related Epilepsy. Identifiers: Orphanet 98784, MedGen C3554306, MONDO:0014002, OMIM 615005.

Allele frequency attached by ClinVar (database versions not stated): gnomAD 0.00006 and 0.00007; ExAC 0.00008; ESP Exome Variant Server 0.00008; TOPMed 0.00014.
gnomAD v4.1: 114 of 1,611,954 alleles (0.0071%); highest among the groups gnomAD compares: Middle Eastern, 0.25%; no homozygotes.

Submissions (6):

Labcorp Genetics (formerly Invitae), Labcorp
Classification: Likely benign for Autosomal dominant nocturnal frontal lobe epilepsy 5; Developmental and epileptic encephalopathy, 14. Last evaluated: 2026-01-12. Review status: criteria provided, single submitter. Criteria: Invitae Variant Classification Sherloc (09022015). Collection method: clinical testing. Allele origin: germline.

PreventionGenetics, part of Exact Sciences
Classification: Likely benign for KCNT1-related condition. Last evaluated: 2025-05-08. Review status: criteria provided, single submitter. Criteria: ACMG Guidelines, 2015. Collection method: clinical testing. Allele origin: germline.
Comment: This variant is classified as likely benign based on ACMG/AMP sequence variant interpretation guidelines (Richards et al. 2015 PMID: 25741868, with internal and published modifications).

Blueprint Genetics
Classification: Likely benign. Last evaluated: 2024-07-05. Review status: criteria provided, single submitter. Criteria: ACMG Guidelines, 2015. Collection method: clinical testing. Allele origin: germline.

CeGaT Center for Human Genetics Tuebingen
Classification: Likely benign. Last evaluated: 2023-12-01. Review status: criteria provided, single submitter. Criteria: CeGaT Center For Human Genetics Tuebingen Variant Classification Criteria Version 2. Collection method: clinical testing. Allele origin: germline. Affected: yes. Observed: 2 variant alleles.
Comment: KCNT1: BP4, BP7

GeneDx
Classification: Likely benign. Last evaluated: 2020-02-24. Review status: criteria provided, single submitter. Criteria: GeneDx Variant Classification Process June 2021. Collection method: clinical testing. Allele origin: germline. Affected: yes.

Eurofins Ntd Llc (ga)
Classification: Uncertain significance. Last evaluated: 2017-01-12. Review status: criteria provided, single submitter. Criteria: EGL Classification Definitions 2015. Collection method: clinical testing. Allele origin: germline. Observed: 1 variant allele, 1 heterozygote.

NM_020822.3(KCNT1):c.3153G>A (p.Ser1051=)

Gene: KCNT1 (potassium sodium-activated channel subfamily T member 1; plus strand). Cytogenetic location: 9q34.3.
Variant type: single nucleotide variant.
Coding change: c.3153G>A on transcript NM_020822.3 (MANE Select); coding-DNA position 3153, G replaced by A.
Protein change: p.Ser1051=; no amino-acid change (serine 1051 retained).
Molecular consequence: synonymous variant.
Genome position (GRCh38, 1-based): chr9:135,784,886, G>A. VCF-style: chr9-135784886-G-A. GRCh37 (hg19) VCF-style: chr9-138676732-G-A.
Other names: c.3018G>A, p.Ser1006= (NM_001272003.2).
Identifiers: ClinVar variation 417218 (VCV000417218.44), dbSNP rs141802876, ClinGen allele CA5327627.